The following is an entry in ClinVar:

NM_024596.5(MCPH1):c.2453-19C>T

Genes: MCPH1 (microcephalin 1; plus strand), MCPH1-AS1 (MCPH1 antisense RNA 1; minus strand). Cytogenetic location: 8p23.1.
Variant type: single nucleotide variant.
Coding change: c.2453-19C>T on transcript NM_024596.5 (MANE Select); 19 bases into the intron before coding-DNA position 2453, C replaced by T.
Molecular consequence: intron variant.
Genome position (GRCh38, 1-based): chr8:6,642,975, C>T. VCF-style: chr8-6642975-C-T. GRCh37 (hg19) VCF-style: chr8-6500496-C-T.
Other names: c.2595-19C>T (NM_001322042.2); c.2174-19C>T (NM_001363980.2); c.2453-19C>T (NM_024596.4).
Identifiers: ClinVar variation 3023229 (VCV003023229.6), dbSNP rs369070450, ClinGen allele CA4611565.
Genomic context (GRCh38, chr8:6,642,975, plus strand): 5'-ATGTATATACAAACAGGTTATCACTTTCCTATGTGGCTGGCTATTATGAATGCTAAACTG[C>T]TTTTCGCTCTCTCTCTAGATTCCATCACCCAGCACAAGGTCTGTGCCCCTGAAAACTACC-3'

ClinVar aggregate classification (germline): Likely benign. Review status: criteria provided, multiple submitters, no conflicts (2 of 4 stars). 3 submissions from 3 submitters: Likely benign (2). 1 of the submissions does not count toward it. Last evaluated 2025-12-01.

Conditions:
MCPH1-related disorder. Also called: MCPH1-related condition.

Allele frequency attached by ClinVar (database versions not stated): gnomAD exomes 0.00002; ExAC 0.00003; ESP Exome Variant Server 0.00008; TOPMed 0.00010; gnomAD 0.00011.
gnomAD v4.1: 45 of 1,612,806 alleles (0.0028%); highest among the groups gnomAD compares: Middle Eastern, 0.082%; no homozygotes.

Submissions (3):

Labcorp Genetics (formerly Invitae), Labcorp
Classification: Likely benign. Last evaluated: 2025-12-01. Review status: criteria provided, single submitter. Criteria: Invitae Variant Classification Sherloc (09022015). Collection method: clinical testing. Allele origin: germline.

Blueprint Genetics
Classification: Likely benign. Last evaluated: 2024-11-06. Review status: criteria provided, single submitter. Criteria: ACMG Guidelines, 2015. Collection method: clinical testing. Allele origin: germline.

PreventionGenetics, part of Exact Sciences
Classification: Likely benign for MCPH1-related condition. Last evaluated: 2022-03-07. Review status: no assertion criteria provided. Collection method: clinical testing. Allele origin: germline. Not counted in ClinVar's aggregate classification.
Comment: This variant is classified as likely benign based on ACMG/AMP sequence variant interpretation guidelines (Richards et al. 2015 PMID: 25741868, with internal and published modifications).